The following is an entry in ClinVar:

ClinVar aggregate classification (germline): Uncertain significance (1 of 4 stars; one submission).

Submission:

Labcorp Genetics (formerly Invitae), Labcorp
Classification: Uncertain significance. Last evaluated: 2025-09-26. Review status: criteria provided, single submitter. Criteria: Invitae Variant Classification Sherloc (09022015). Collection method: clinical testing. Allele origin: germline.
Comment: This sequence change replaces leucine, which is neutral and non-polar, with phenylalanine, which is neutral and non-polar, at codon 44 of the SLC25A12 protein (p.Leu44Phe). This variant is not present in population databases (gnomAD no frequency). This variant has not been reported in the literature in individuals affected with SLC25A12-related conditions. ClinVar contains an entry for this variant (Variation ID: 2767306). Invitae Evidence Modeling of protein sequence and biophysical properties (such as structural, functional, and spatial information, amino acid conservation, physicochemical variation, residue mobility, and thermodynamic stability) indicates that this missense variant is expected to disrupt SLC25A12 protein function with a positive predictive value of 80%. In summary, the available evidence is currently insufficient to determine the role of this variant in disease. Therefore, it has been classified as a Variant of Uncertain Significance.

NM_003705.5(SLC25A12):c.130C>T (p.Leu44Phe)

Gene: SLC25A12 (solute carrier family 25 member 12; minus strand). Cytogenetic location: 2q31.1.
Variant type: single nucleotide variant.
Coding change: c.130C>T on transcript NM_003705.5 (MANE Select); coding-DNA position 130, C replaced by T.
Protein change: p.Leu44Phe; replaces leucine 44 with phenylalanine.
Molecular consequence: missense variant. On other transcripts: non-coding transcript variant (1).
Genome position (GRCh38, 1-based): chr2:171,868,760, G>A on the plus strand (C>T on the coding strand, the complement: SLC25A12 is on the minus strand). VCF-style: chr2-171868760-G-A. GRCh37 (hg19) VCF-style: chr2-172725270-G-A.
Other names: short protein forms L44F.
Identifiers: ClinVar variation 2767306 (VCV002767306.3), dbSNP rs2545276653, ClinGen allele CA349636799.